The following is an entry in ClinVar:

ClinVar aggregate classification (germline): Uncertain significance (1 of 4 stars; one submission).

Conditions:
Multiple acyl-CoA dehydrogenase deficiency (MADD). Also called: ETHYLMALONIC-ADIPICACIDURIA; Glutaric aciduria, type 2; Glutaric Acidemia type 2; Glutaric acidemia type II; GA 2; GA II. Identifiers: Orphanet 26791, MedGen C0268596, MONDO:0009282, OMIM 231680.

Allele frequency attached by ClinVar (database versions not stated): gnomAD exomes below 0.00001; ExAC 0.00002.
gnomAD v4.1: 1 of 1,610,242 alleles (0.000062%); highest among the groups gnomAD compares: South Asian, 0.0011%; no homozygotes.

Submission:

Labcorp Genetics (formerly Invitae), Labcorp
Classification: Uncertain significance for Multiple acyl-CoA dehydrogenase deficiency. Last evaluated: 2022-04-29. Review status: criteria provided, single submitter. Criteria: Invitae Variant Classification Sherloc (09022015). Collection method: clinical testing. Allele origin: germline.
Comment: This sequence change replaces isoleucine, which is neutral and non-polar, with threonine, which is neutral and polar, at codon 273 of the ETFDH protein (p.Ile273Thr). The frequency data for this variant in the population databases is considered unreliable, as metrics indicate poor data quality at this position in the gnomAD database. This variant has not been reported in the literature in individuals affected with ETFDH-related conditions. Advanced modeling of protein sequence and biophysical properties (such as structural, functional, and spatial information, amino acid conservation, physicochemical variation, residue mobility, and thermodynamic stability) performed at Invitae indicates that this missense variant is expected to disrupt ETFDH protein function. In summary, the available evidence is currently insufficient to determine the role of this variant in disease. Therefore, it has been classified as a Variant of Uncertain Significance.

NM_004453.4(ETFDH):c.818T>C (p.Ile273Thr)

Gene: ETFDH (electron transfer flavoprotein dehydrogenase; plus strand). Cytogenetic location: 4q32.1.
Variant type: single nucleotide variant.
Coding change: c.818T>C on transcript NM_004453.4 (MANE Select); coding-DNA position 818, T replaced by C.
Protein change: p.Ile273Thr; replaces isoleucine 273 with threonine.
Molecular consequence: missense variant.
Genome position (GRCh38, 1-based): chr4:158,695,630, T>C. VCF-style: chr4-158695630-T-C. GRCh37 (hg19) VCF-style: chr4-159616782-T-C.
Other names: c.677T>C, p.Ile226Thr (NM_001281737.2); c.635T>C, p.Ile212Thr (NM_001281738.1); short protein forms I273T, I226T, I212T.
Identifiers: ClinVar variation 2131703 (VCV002131703.4), dbSNP rs766845829, ClinGen allele CA3122451.